The following is an entry in ClinVar:

NM_004444.5(EPHB4):c.1692-6C>A

Gene: EPHB4 (EPH receptor B4; minus strand). Cytogenetic location: 7q22.1.
Variant type: single nucleotide variant.
Coding change: c.1692-6C>A on transcript NM_004444.5 (MANE Select); 6 bases into the intron before coding-DNA position 1692, C replaced by A.
Molecular consequence: intron variant.
Genome position (GRCh38, 1-based): chr7:100,813,722, G>T on the plus strand (C>A on the coding strand, the complement: EPHB4 is on the minus strand). VCF-style: chr7-100813722-G-T. GRCh37 (hg19) VCF-style: chr7-100411344-G-T.
Other names: p.?; c.1692-6C>A (NM_004444.4).
Identifiers: ClinVar variation 1307947 (VCV001307947.37), dbSNP rs202035530, ClinGen allele CA4392868.

ClinVar aggregate classification (germline): Conflicting classifications of pathogenicity. Review status: criteria provided, conflicting classifications (1 of 4 stars). 7 submissions from 7 submitters: Uncertain significance (1); Benign (2); Likely benign (4). Last evaluated 2026-09-01.

Conditions:
EPHB4-related disorder. Also called: EPHB4-related condition; EPHB4-related disorders.

Allele frequency attached by ClinVar (database versions not stated): gnomAD 0.00051 and 0.00052; TOPMed 0.00064; gnomAD exomes 0.00065 and 0.00071; ExAC 0.00069; ESP Exome Variant Server 0.00069; 1000 Genomes Project 30x 0.00016; 1000 Genomes Project 0.00020.

Submissions (7):

CeGaT Center for Human Genetics Tuebingen
Classification: Benign. Last evaluated: 2026-09-01. Review status: criteria provided, single submitter. Criteria: CeGaT Center For Human Genetics Tuebingen Variant Classification Criteria Version 2. Collection method: clinical testing. Allele origin: germline. Affected: yes. Observed: 3 variant alleles.
Comment: EPHB4: BS1, BS2

Labcorp Genetics (formerly Invitae), Labcorp
Classification: Benign. Last evaluated: 2026-01-24. Review status: criteria provided, single submitter. Criteria: Invitae Variant Classification Sherloc (09022015). Collection method: clinical testing. Allele origin: germline.

PreventionGenetics, part of Exact Sciences
Classification: Likely benign for EPHB4-related condition. Last evaluated: 2025-06-10. Review status: criteria provided, single submitter. Criteria: ACMG Guidelines, 2015. Collection method: clinical testing. Allele origin: germline.
Comment: This variant is classified as likely benign based on ACMG/AMP sequence variant interpretation guidelines (Richards et al. 2015 PMID: 25741868, with internal and published modifications).

Mayo Clinic Laboratories, Mayo Clinic
Classification: Likely benign. Last evaluated: 2025-06-03. Review status: criteria provided, single submitter. Criteria: ACMG Guidelines, 2015. Collection method: clinical testing. Allele origin: germline. Observed: 3 variant alleles.
Comment: BS1, BP4, BP7

Blueprint Genetics
Classification: Likely benign. Last evaluated: 2024-11-07. Review status: criteria provided, single submitter. Criteria: ACMG Guidelines, 2015. Collection method: clinical testing. Allele origin: germline.

ARUP Laboratories, Molecular Genetics and Genomics, ARUP Laboratories
Classification: Likely benign. Last evaluated: 2024-08-02. Review status: criteria provided, single submitter. Criteria: ARUP Molecular Germline Variant Investigation Process 2024. Collection method: clinical testing. Allele origin: germline.

GeneDx
Classification: Uncertain significance. Last evaluated: 2019-03-20. Review status: criteria provided, single submitter. Criteria: GeneDx Variant Classification Process June 2021. Collection method: clinical testing. Allele origin: germline. Affected: yes.
Comment: Has not been previously published as pathogenic or benign to our knowledge; In silico analysis, which includes splice predictors and evolutionary conservation, supports a deleterious effect